The following is an entry in ClinVar:

ClinVar aggregate classification (germline): Uncertain significance (1 of 4 stars; one submission).

Allele frequency attached by ClinVar (database versions not stated): TOPMed below 0.00001; ExAC 0.00001; gnomAD exomes 0.00001 and 0.00002.
gnomAD v4.1: 18 of 1,613,676 alleles (0.0011%); highest among the groups gnomAD compares: East Asian, 0.0045%; no homozygotes.

Submission:

Labcorp Genetics (formerly Invitae), Labcorp
Classification: Uncertain significance. Last evaluated: 2024-08-05. Review status: criteria provided, single submitter. Criteria: Invitae Variant Classification Sherloc (09022015). Collection method: clinical testing. Allele origin: germline.
Comment: This sequence change replaces valine, which is neutral and non-polar, with isoleucine, which is neutral and non-polar, at codon 200 of the PLEKHM2 protein (p.Val200Ile). This variant is present in population databases (rs775218720, gnomAD 0.005%). This variant has not been reported in the literature in individuals affected with PLEKHM2-related conditions. ClinVar contains an entry for this variant (Variation ID: 854306). An algorithm developed to predict the effect of missense changes on protein structure and function (PolyPhen-2) suggests that this variant is likely to be tolerated. In summary, the available evidence is currently insufficient to determine the role of this variant in disease. Therefore, it has been classified as a Variant of Uncertain Significance.

NM_015164.4(PLEKHM2):c.598G>A (p.Val200Ile)

Gene: PLEKHM2 (pleckstrin homology and RUN domain containing M2; plus strand). Cytogenetic location: 1p36.21.
Variant type: single nucleotide variant.
Coding change: c.598G>A on transcript NM_015164.4 (MANE Select); coding-DNA position 598, G replaced by A.
Protein change: p.Val200Ile; replaces valine 200 with isoleucine.
Molecular consequence: missense variant.
Genome position (GRCh38, 1-based): chr1:15,719,866, G>A. VCF-style: chr1-15719866-G-A. GRCh37 (hg19) VCF-style: chr1-16046361-G-A.
Other names: short protein forms V200I.
Identifiers: ClinVar variation 854306 (VCV000854306.7), dbSNP rs775218720, ClinGen allele CA616727.